The following is an entry in ClinVar:

ClinVar aggregate classification (germline): Uncertain significance. Review status: criteria provided, multiple submitters, no conflicts (2 of 4 stars). 3 submissions from 3 submitters: Uncertain significance (3). Last evaluated 2025-07-13.

Conditions:
Hereditary cancer-predisposing syndrome. Also called: Hereditary Cancer Syndrome; Neoplastic Syndromes, Hereditary; Hereditary neoplastic syndrome; Tumor predisposition. Identifiers: Orphanet 140162, MedGen C0027672, MeSH D009386, MONDO:0015356.
Global developmental delay - lung cysts - overgrowth - Wilms tumor syndrome. Also called: GLOBAL DEVELOPMENTAL DELAY, LUNG CYSTS, OVERGROWTH, AND WILMS TUMOR; GLOW Syndrome. Identifiers: Orphanet 404476, MedGen C4748924, MONDO:0018445, OMIM 618272.
DICER1-related tumor predisposition. Also called: DICER1-related pleuropulmonary blastoma cancer predisposition syndrome; DICER1 syndrome. Identifiers: Orphanet 284343, MedGen C3839822, MONDO:0100216.

Allele frequency attached by ClinVar (database versions not stated): gnomAD exomes below 0.00001.

Submissions (3):

Labcorp Genetics (formerly Invitae), Labcorp
Classification: Uncertain significance for DICER1-related tumor predisposition. Last evaluated: 2025-07-13. Review status: criteria provided, single submitter. Criteria: Invitae Variant Classification Sherloc (09022015). Collection method: clinical testing. Allele origin: germline.
Comment: This sequence change replaces asparagine, which is neutral and polar, with serine, which is neutral and polar, at codon 282 of the DICER1 protein (p.Asn282Ser). This variant is not present in population databases (gnomAD no frequency). This variant has not been reported in the literature in individuals affected with DICER1-related conditions. ClinVar contains an entry for this variant (Variation ID: 822461). Invitae Evidence Modeling of protein sequence and biophysical properties (such as structural, functional, and spatial information, amino acid conservation, physicochemical variation, residue mobility, and thermodynamic stability) indicates that this missense variant is not expected to disrupt DICER1 protein function with a negative predictive value of 95%. In summary, the available evidence is currently insufficient to determine the role of this variant in disease. Therefore, it has been classified as a Variant of Uncertain Significance.

Ambry Genetics
Classification: Uncertain significance for Hereditary cancer-predisposing syndrome. Last evaluated: 2025-05-24. Review status: criteria provided, single submitter. Criteria: Ambry Variant Classification Scheme 2023. Collection method: clinical testing. Allele origin: germline.
Comment: The p.N282S variant (also known as c.845A>G), located in coding exon 6 of the DICER1 gene, results from an A to G substitution at nucleotide position 845. The asparagine at codon 282 is replaced by serine, an amino acid with highly similar properties. This amino acid position is well conserved in available vertebrate species. In addition, this alteration is predicted to be tolerated by in silico analysis. Since supporting evidence is limited at this time, the clinical significance of this alteration remains unclear.

Baylor Genetics
Classification: Uncertain significance for Global developmental delay - lung cysts - overgrowth - Wilms tumor syndrome. Last evaluated: 2023-10-06. Review status: criteria provided, single submitter. Criteria: ACMG Guidelines, 2015. Collection method: clinical testing. Allele origin: unknown.

NM_177438.3(DICER1):c.845A>G (p.Asn282Ser)

Gene: DICER1 (dicer 1, ribonuclease III; minus strand). Cytogenetic location: 14q32.13.
Variant type: single nucleotide variant.
Coding change: c.845A>G on transcript NM_177438.3 (MANE Select); coding-DNA position 845, A replaced by G.
Protein change: p.Asn282Ser; replaces asparagine 282 with serine.
Molecular consequence: missense variant.
Genome position (GRCh38, 1-based): chr14:95,126,638, T>C on the plus strand (A>G on the coding strand, the complement: DICER1 is on the minus strand). VCF-style: chr14-95126638-T-C. GRCh37 (hg19) VCF-style: chr14-95592975-T-C.
Other names: c.845A>G, p.Asn282Ser (NM_001195573.1, NM_001271282.3, NM_001291628.2 and 1 more transcripts); short protein forms N282S.
Identifiers: ClinVar variation 822461 (VCV000822461.16), dbSNP rs1595447814, ClinGen allele CA390887548.